The following is an entry in ClinVar:

ClinVar aggregate classification (germline): Conflicting classifications of pathogenicity. Review status: criteria provided, conflicting classifications (1 of 4 stars). 2 submissions from 2 submitters: Uncertain significance (1); Likely benign (1). Last evaluated 2026-08-03.

Conditions:
SCLT1-related disorder. Also called: SCLT1-related condition.

Submissions (2):

PreventionGenetics, part of Exact Sciences
Classification: Uncertain significance for SCLT1-related condition. Last evaluated: 2026-08-03. Review status: criteria provided, single submitter. Criteria: ACMG Guidelines, 2015. Collection method: clinical testing. Allele origin: germline.
Comment: The SCLT1 c.162-9T>C variant is predicted to interfere with splicing. To our knowledge, this variant has not been reported in the literature. This variant is reported in 0.0042% of alleles in individuals of African descent in gnomAD. This variant is predicted to alter splicing based on available splicing prediction programs (SpliceAI, Jaganathan et al. 2019. PubMed ID: 30661751). However, the use of computer prediction programs is not equivalent to functional evidence. At this time, the clinical significance of this variant is uncertain due to the absence of conclusive functional and genetic evidence.

Labcorp Genetics (formerly Invitae), Labcorp
Classification: Likely benign. Last evaluated: 2025-06-12. Review status: criteria provided, single submitter. Criteria: Invitae Variant Classification Sherloc (09022015). Collection method: clinical testing. Allele origin: germline.

NM_144643.4(SCLT1):c.162-9T>C

Gene: SCLT1 (sodium channel and clathrin linker 1; minus strand). Cytogenetic location: 4q28.2.
Variant type: single nucleotide variant.
Coding change: c.162-9T>C on transcript NM_144643.4 (MANE Select); 9 bases into the intron before coding-DNA position 162, T replaced by C.
Molecular consequence: intron variant.
Genome position (GRCh38, 1-based): chr4:129,043,476, A>G on the plus strand (T>C on the coding strand, the complement: SCLT1 is on the minus strand). VCF-style: chr4-129043476-A-G. GRCh37 (hg19) VCF-style: chr4-129964631-A-G.
Other names: c.162-9T>C (NM_001410807.1, NM_001300898.2, NM_001300897.2 and 1 more transcripts).
Identifiers: ClinVar variation 3683478 (VCV003683478.3).